The following is an entry in ClinVar:

NM_001372.4(DNAH9):c.306T>C (p.Phe102=)

Gene: DNAH9 (dynein axonemal heavy chain 9; plus strand). Cytogenetic location: 17p12.
Variant type: single nucleotide variant.
Coding change: c.306T>C on transcript NM_001372.4 (MANE Select); coding-DNA position 306, T replaced by C.
Protein change: p.Phe102=; no amino-acid change (phenylalanine 102 retained).
Molecular consequence: synonymous variant.
Genome position (GRCh38, 1-based): chr17:11,598,804, T>C. VCF-style: chr17-11598804-T-C. GRCh37 (hg19) VCF-style: chr17-11502121-T-C.
Identifiers: ClinVar variation 1273191 (VCV001273191.13), dbSNP rs28507962, ClinGen allele CA8394478.

ClinVar aggregate classification (germline): Benign/Likely benign. Review status: criteria provided, multiple submitters, no conflicts (2 of 4 stars). 5 submissions from 5 submitters: Benign (3); Likely benign (1). 1 of the submissions does not count toward it. Last evaluated 2026-01-28.

Conditions:
DNAH9-related disorder. Also called: DNAH9-related condition.
Ciliary dyskinesia, primary, 40. Also called: CILIARY DYSKINESIA, PRIMARY, 40, WITH OR WITHOUT SITUS INVERSUS. Identifiers: MedGen C4749028, MONDO:0032664, OMIM 618300.

Allele frequency attached by ClinVar (database versions not stated): gnomAD exomes 0.00195; ExAC 0.00584; ESP Exome Variant Server 0.00671; gnomAD 0.01516 and 0.01633; 1000 Genomes Project 0.01637; 1000 Genomes Project 30x 0.01718.
gnomAD v4.1: 4,094 of 1,480,796 alleles (0.28%); highest among the groups gnomAD compares: African/African-American, 5.5%; 123 homozygotes.

Submissions (5):

Labcorp Genetics (formerly Invitae), Labcorp
Classification: Benign. Last evaluated: 2026-01-28. Review status: criteria provided, single submitter. Criteria: Invitae Variant Classification Sherloc (09022015). Collection method: clinical testing. Allele origin: germline.

Fulgent Genetics
Classification: Likely benign for Ciliary dyskinesia, primary, 40. Last evaluated: 2022-03-30. Review status: criteria provided, single submitter. Criteria: ACMG Guidelines, 2015. Collection method: clinical testing. Allele origin: unknown.

GeneDx
Classification: Benign. Last evaluated: 2021-05-04. Review status: criteria provided, single submitter. Criteria: GeneDx Variant Classification Process June 2021. Collection method: clinical testing. Allele origin: germline. Affected: yes.

Breakthrough Genomics
Classification: Benign. Review status: criteria provided, single submitter. Criteria: ACMG Guidelines, 2015. Collection method: not provided. Allele origin: germline. Inheritance: Autosomal recessive inheritance. Affected: yes.

PreventionGenetics, part of Exact Sciences
Classification: Benign for DNAH9-related condition. Last evaluated: 2019-08-13. Review status: no assertion criteria provided. Collection method: clinical testing. Allele origin: germline. Not counted in ClinVar's aggregate classification.
Comment: This variant is classified as benign based on ACMG/AMP sequence variant interpretation guidelines (Richards et al. 2015 PMID: 25741868, with internal and published modifications).